The following is an entry in ClinVar:

NM_000455.5(STK11):c.863G>A (p.Gly288Glu)

Gene: STK11 (serine/threonine kinase 11; plus strand). Cytogenetic location: 19p13.3.
Variant type: single nucleotide variant.
Coding change: c.863G>A on transcript NM_000455.5 (MANE Select); coding-DNA position 863, G replaced by A.
Protein change: p.Gly288Glu; replaces glycine 288 with glutamic acid.
Molecular consequence: missense variant. On other transcripts: non-coding transcript variant (1).
Genome position (GRCh38, 1-based): chr19:1,221,949, G>A. VCF-style: chr19-1221949-G-A. GRCh37 (hg19) VCF-style: chr19-1221948-G-A.
Other names: c.863G>A, p.Gly288Glu (NM_001407255.1); short protein forms G288E.
Identifiers: ClinVar variation 4725301 (VCV004725301.1).
Genomic context (GRCh38, chr19:1,221,949, plus strand): 5'-CGGTTGGTGGGGTCTCAGGCCTGTGCCCAGCTGACAGGCTCCTCGCCGGCTTCTCCTCAG[G>A]GATGCTTGAGTACGAACCGGCCAAGAGGTTCTCCATCCGGCAGATCCGGCAGCACAGGTG-3'
Protein context (NP_000446.1, residues 278-298): CGPPLSDLLK[Gly288Glu]MLEYEPAKRF

ClinVar aggregate classification (germline): Uncertain significance (1 of 4 stars; one submission).

Conditions:
Peutz-Jeghers syndrome (PJS). Also called: POLYPOSIS, HAMARTOMATOUS INTESTINAL; POLYPS-AND-SPOTS SYNDROME; Peutz-Jeghers polyposis; Periorificial lentiginosis syndrome. Identifiers: Orphanet 2869, MedGen C0031269, MeSH D010580, MONDO:0008280, OMIM 175200.

Submission:

Labcorp Genetics (formerly Invitae), Labcorp
Classification: Uncertain significance for Peutz-Jeghers syndrome. Last evaluated: 2025-08-12. Review status: criteria provided, single submitter. Criteria: Invitae Variant Classification Sherloc (09022015). Collection method: clinical testing. Allele origin: germline.
Comment: This sequence change replaces glycine, which is neutral and non-polar, with glutamic acid, which is acidic and polar, at codon 288 of the STK11 protein (p.Gly288Glu). This variant is not present in population databases (gnomAD no frequency). This variant has not been reported in the literature in individuals affected with STK11-related conditions. An algorithm developed to predict the effect of missense changes on protein structure and function (PolyPhen-2) suggests that this variant is likely to be disruptive. In summary, the available evidence is currently insufficient to determine the role of this variant in disease. Therefore, it has been classified as a Variant of Uncertain Significance.